The following is an entry in ClinVar:

ClinVar aggregate classification (germline): Pathogenic (1 of 4 stars; one submission).

Conditions:
Intellectual developmental disorder, autosomal dominant 1. Also called: Intellectual disability, autosomal dominant 1; MBD5 Haploinsufficiency. Identifiers: Orphanet 228402, MedGen C1969562, MONDO:0007974, OMIM 156200.

Submission:

Labcorp Genetics (formerly Invitae), Labcorp
Classification: Pathogenic for Intellectual developmental disorder, autosomal dominant 1. Last evaluated: 2019-07-17. Review status: criteria provided, single submitter. Criteria: Invitae Variant Classification Sherloc (09022015). Collection method: clinical testing. Allele origin: germline.
Comment: For these reasons, this variant has been classified as Pathogenic. Loss-of-function variants in MBD5 are known to be pathogenic (PMID: 23422940, 23587880). This variant has not been reported in the literature in individuals with MBD5-related conditions. This variant is not present in population databases (ExAC no frequency). This sequence change creates a premature translational stop signal (p.Gln1244*) in the MBD5 gene. It is expected to result in an absent or disrupted protein product.

Literature cited by the submitters: PubMed 23422940; PubMed 23587880.

NM_001378120.1(MBD5):c.4429C>T (p.Gln1477Ter)

Gene: MBD5 (methyl-CpG binding domain protein 5; plus strand). Cytogenetic location: 2q23.1.
Variant type: single nucleotide variant.
Coding change: c.4429C>T on transcript NM_001378120.1 (MANE Select); coding-DNA position 4429, C replaced by T.
Protein change: p.Gln1477Ter; replaces glutamine 1477 with a stop codon.
Molecular consequence: nonsense.
Genome position (GRCh38, 1-based): chr2:148,490,061, C>T. VCF-style: chr2-148490061-C-T. GRCh37 (hg19) VCF-style: chr2-149247630-C-T.
Other names: c.3730C>T, p.Gln1244Ter (NM_018328.5); short protein forms Q1477*, Q1244*.
Identifiers: ClinVar variation 951543 (VCV000951543.8), dbSNP rs1681473896, ClinGen allele CA348729236.
Genomic context (GRCh38, chr2:148,490,061, plus strand): 5'-AGTAGTCCTTGTCATGAAAGGCCCAACAATGTCTCTACACTGCCATTTCTGCCTGGGGAA[C>T]AGCACCCAATACTGTTACCACCAAGAAACTGTCCAGGGGATAAAATTCTAGAGGAAAATT-3'